The following is an entry in ClinVar:

NM_020134.4(DPYSL5):c.1679C>A (p.Ser560Ter)

Gene: DPYSL5 (dihydropyrimidinase like 5; plus strand). Cytogenetic location: 2p23.3.
Variant type: single nucleotide variant.
Coding change: c.1679C>A on transcript NM_020134.4 (MANE Select); coding-DNA position 1679, C replaced by A.
Protein change: p.Ser560Ter; replaces serine 560 with a stop codon.
Molecular consequence: nonsense.
Genome position (GRCh38, 1-based): chr2:26,946,979, C>A. VCF-style: chr2-26946979-C-A. GRCh37 (hg19) VCF-style: chr2-27169847-C-A.
Other names: c.1679C>A, p.Ser560Ter (NM_001253723.2, NM_001253724.2); short protein forms S560*.
Identifiers: ClinVar variation 3364937 (VCV003364937.1).

ClinVar aggregate classification (germline): Uncertain significance (1 of 4 stars; one submission).

Submission:

GeneDx
Classification: Uncertain significance. Last evaluated: 2023-12-03. Review status: criteria provided, single submitter. Criteria: GeneDx Variant Classification Process June 2021. Collection method: clinical testing. Allele origin: germline. Affected: yes.
Comment: Has not been previously published as pathogenic or benign to our knowledge; Not observed at significant frequency in large population cohorts (gnomAD); Nonsense variant predicted to result in protein truncation as the last 5 amino acids are lost in a gene for which loss-of-function is not an established mechanism of disease